The following is an entry in ClinVar:

NM_001318777.2(TIRAP):c.303G>A (p.Gln101=)

Gene: TIRAP (TIR domain containing adaptor protein; plus strand). Cytogenetic location: 11q24.2.
Variant type: single nucleotide variant.
Coding change: c.303G>A on transcript NM_001318777.2 (MANE Select); coding-DNA position 303, G replaced by A.
Protein change: p.Gln101=; no amino-acid change (glutamine 101 retained).
Molecular consequence: synonymous variant.
Genome position (GRCh38, 1-based): chr11:126,292,712, G>A. VCF-style: chr11-126292712-G-A. GRCh37 (hg19) VCF-style: chr11-126162607-G-A.
Other names: c.303G>A, p.Gln101= (NM_001039661.2, NM_001318776.2, NM_148910.3).
Identifiers: ClinVar variation 2688487 (VCV002688487.2), dbSNP rs3802814, ClinGen allele CA6354649.

ClinVar aggregate classification (germline): Benign (1 of 4 stars; one submission).

Allele frequency attached by ClinVar (database versions not stated): 1000 Genomes Project 0.08207; TOPMed 0.09717; gnomAD 0.10334; ESP Exome Variant Server 0.10825; ExAC 0.11857; 1000 Genomes Project 30x 0.08073; gnomAD exomes 0.14025.

Submission:

Unidad de Genómica Garrahan, Hospital de Pediatría Garrahan
Classification: Benign. Last evaluated: 2024-01-24. Review status: criteria provided, single submitter. Criteria: ACMG Guidelines, 2015. Collection method: clinical testing. Allele origin: germline. Affected: no. Observed: 20 variant alleles.
Comment: This variant is classified as Benign based on local population frequency. This variant was detected in 23% of patients studied by a panel of primary immunodeficiencies. Number of patients: 20. Only high quality variants are reported.